The following is an entry in ClinVar:

NM_000064.4(C3):c.3473G>C (p.Cys1158Ser)

Gene: C3 (complement C3; minus strand). Cytogenetic location: 19p13.3.
Variant type: single nucleotide variant.
Coding change: c.3473G>C on transcript NM_000064.4 (MANE Select); coding-DNA position 3473, G replaced by C.
Protein change: p.Cys1158Ser; replaces cysteine 1158 with serine.
Molecular consequence: missense variant.
Genome position (GRCh38, 1-based): chr19:6,690,645, C>G on the plus strand (G>C on the coding strand, the complement: C3 is on the minus strand). VCF-style: chr19-6690645-C-G. GRCh37 (hg19) VCF-style: chr19-6690656-C-G.
Other names: short protein forms C1158S.
Identifiers: ClinVar variation 4280211 (VCV004280211.1).

ClinVar aggregate classification (germline): Uncertain significance (1 of 4 stars; one submission).

Conditions:
Atypical hemolytic-uremic syndrome. Identifiers: Orphanet 2134, MedGen C2931788, MONDO:0016244.

Submission:

Genomenon, Inc
Classification: Uncertain significance for Atypical hemolytic-uremic syndrome. Last evaluated: 2025-09-30. Review status: criteria provided, single submitter. Criteria: Genomenon Sequence Variant Interpretation Standards. Collection method: curation. Allele origin: germline. Affected: yes.
Comment: C3 p.Cys1158Ser (c.3473G>C) is a missense variant that changes the amino acid at residue 1158 from Cysteine to Serine. This variant has been observed in at least one proband affected with atypical hemolytic-uremic syndrome (PMID:28939980). It is absent or not present at a significant frequency in gnomAD. In conclusion, we classify C3 p.Cys1158Ser (c.3473G>C) as a variant of unknown significance.

Literature cited by the submitters: PubMed 28939980.